The following is an entry in ClinVar:

NM_176824.3(BBS7):c.2017A>G (p.Met673Val)

Gene: BBS7 (Bardet-Biedl syndrome 7; minus strand). Cytogenetic location: 4q27.
Variant type: single nucleotide variant.
Coding change: c.2017A>G on transcript NM_176824.3 (MANE Select); coding-DNA position 2017, A replaced by G.
Protein change: p.Met673Val; replaces methionine 673 with valine.
Molecular consequence: missense variant.
Genome position (GRCh38, 1-based): chr4:121,825,991, T>C on the plus strand (A>G on the coding strand, the complement: BBS7 is on the minus strand). VCF-style: chr4-121825991-T-C. GRCh37 (hg19) VCF-style: chr4-122747146-T-C.
Other names: short protein forms M673V.
Identifiers: ClinVar variation 3349598 (VCV003349598.2).
Genomic context (GRCh38, chr4:121,825,991, plus strand): 5'-CTTTAGTTTTTACATTGGTGCCTTTAAACTTAAATTTATCTATGAAAAGATCAGTGATCA[T>C]GCCTTTAAAGAAAAAACATAAATTTCCTGTCAGTGATTAGTTATATTTAATGACACAGTA-3'
Protein context (NP_789794.1, residues 663-683): QPAHLERLYG[Met673Val]ITDLFIDKFK

ClinVar aggregate classification (germline): Uncertain significance. Review status: criteria provided, single submitter (1 of 4 stars). 2 submissions from 2 submitters: Uncertain significance (1). 1 of the submissions does not count toward it. Last evaluated 2025-07-14.

Conditions:
BBS7-related disorder. Also called: BBS7-related condition.

Submissions (2):

Women's Health and Genetics/Laboratory Corporation of America, LabCorp
Classification: Uncertain significance. Last evaluated: 2025-07-14. Review status: criteria provided, single submitter. Criteria: LabCorp Variant Classification Summary - May 2015. Collection method: clinical testing. Allele origin: germline.
Comment: Variant summary: BBS7 c.2017A>G (p.Met673Val) results in a conservative amino acid change in the encoded protein sequence. Algorithms developed to predict the effect of missense changes on protein structure and function are either unavailable or do not agree on the potential impact of this missense change. Consensus agreement among computation tools predict no significant impact on normal splicing. However, these predictions have yet to be confirmed by functional studies. The variant allele was found at a frequency of 8.1e-06 in 248356 control chromosomes. The available data on variant occurrences in the general population are insufficient to allow any conclusion about variant significance. To our knowledge, no occurrence of c.2017A>G in individuals affected with Bardet-Biedl Syndrome and no experimental evidence demonstrating its impact on protein function have been reported. ClinVar contains an entry for this variant (Variation ID: 3349598). Based on the evidence outlined above, the variant was classified as uncertain significance.

PreventionGenetics, part of Exact Sciences
Classification: Uncertain significance for BBS7-related condition. Last evaluated: 2024-02-22. Review status: no assertion criteria provided. Collection method: clinical testing. Allele origin: germline. Not counted in ClinVar's aggregate classification.
Comment: The BBS7 c.2017A>G variant is predicted to result in the amino acid substitution p.Met673Val. To our knowledge, this variant has not been reported in the literature. This variant is reported in 0.0018% of alleles in individuals of European (Non-Finnish) descent in gnomAD. At this time, the clinical significance of this variant is uncertain due to the absence of conclusive functional and genetic evidence.